The following is an entry in ClinVar:

ClinVar aggregate classification (germline): Uncertain significance (1 of 4 stars; one submission).

gnomAD v4.1: 1 of 1,614,038 alleles (0.000062%); highest among the groups gnomAD compares: Non-Finnish European, 0.000085%; no homozygotes.

Submission:

Labcorp Genetics (formerly Invitae), Labcorp
Classification: Uncertain significance. Last evaluated: 2025-12-01. Review status: criteria provided, single submitter. Criteria: Invitae Variant Classification Sherloc (09022015). Collection method: clinical testing. Allele origin: germline.
Comment: This sequence change replaces serine, which is neutral and polar, with isoleucine, which is neutral and non-polar, at codon 2108 of the DCHS1 protein (p.Ser2108Ile). This variant is present in population databases (no rsID available, gnomAD 0.0009%). This variant has not been reported in the literature in individuals affected with DCHS1-related conditions. An algorithm developed to predict the effect of missense changes on protein structure and function (PolyPhen-2) suggests that this variant is likely to be disruptive. In summary, the available evidence is currently insufficient to determine the role of this variant in disease. Therefore, it has been classified as a Variant of Uncertain Significance.

NM_003737.4(DCHS1):c.6323G>T (p.Ser2108Ile)

Gene: DCHS1 (dachsous cadherin-related 1; minus strand). Cytogenetic location: 11p15.4.
Variant type: single nucleotide variant.
Coding change: c.6323G>T on transcript NM_003737.4 (MANE Select); coding-DNA position 6323, G replaced by T.
Protein change: p.Ser2108Ile; replaces serine 2108 with isoleucine.
Molecular consequence: missense variant.
Genome position (GRCh38, 1-based): chr11:6,626,593, C>A on the plus strand (G>T on the coding strand, the complement: DCHS1 is on the minus strand). VCF-style: chr11-6626593-C-A. GRCh37 (hg19) VCF-style: chr11-6647824-C-A.
Other names: short protein forms S2108I.
Identifiers: ClinVar variation 4767888 (VCV004767888.1).
Genomic context (GRCh38, chr11:6,626,593, plus strand): 5'-CCCTGCTCCTATTTCTTACCTGTACTAGGCTGGATGGAGAATGTCCCTTTCTCATTCCCA[C>A]TGAGAATGCTGTAGGTGATGGGTCCATTTGTGCCTCCTGCATGGACGGCCCTGGGGGAGA-3'
Protein context (NP_003728.1, residues 2098-2118): TNGPITYSIL[Ser2108Ile]GNEKGTFSIQ